The following is an entry in ClinVar:

ClinVar aggregate classification (germline): Uncertain significance (1 of 4 stars; one submission).

Submission:

Labcorp Genetics (formerly Invitae), Labcorp
Classification: Uncertain significance. Last evaluated: 2023-01-01. Review status: criteria provided, single submitter. Criteria: Invitae Variant Classification Sherloc (09022015). Collection method: clinical testing. Allele origin: germline.
Comment: Algorithms developed to predict the effect of missense changes on protein structure and function output the following: SIFT: "Tolerated"; PolyPhen-2: "Benign"; Align-GVGD: "Class C0". The asparagine amino acid residue is found in multiple mammalian species, which suggests that this missense change does not adversely affect protein function. This sequence change replaces serine, which is neutral and polar, with asparagine, which is neutral and polar, at codon 929 of the RIMS1 protein (p.Ser929Asn). This variant is not present in population databases (gnomAD no frequency). This variant has not been reported in the literature in individuals affected with RIMS1-related conditions. In summary, the available evidence is currently insufficient to determine the role of this variant in disease. Therefore, it has been classified as a Variant of Uncertain Significance.

NM_014989.7(RIMS1):c.2786G>A (p.Ser929Asn)

Gene: RIMS1 (regulating synaptic membrane exocytosis 1; plus strand). Cytogenetic location: 6q13.
Variant type: single nucleotide variant.
Coding change: c.2786G>A on transcript NM_014989.7 (MANE Select); coding-DNA position 2786, G replaced by A.
Protein change: p.Ser929Asn; replaces serine 929 with asparagine.
Molecular consequence: missense variant.
Genome position (GRCh38, 1-based): chr6:72,258,140, G>A. VCF-style: chr6-72258140-G-A. GRCh37 (hg19) VCF-style: chr6-72967843-G-A.
Other names: c.1205G>A, p.Ser402Asn (NM_001350435.2, NM_001350436.2, NM_001350438.2 and 19 more transcripts); c.1136G>A, p.Ser379Asn (NM_001350437.2, NM_001350421.2, NM_001350430.2 and 2 more transcripts); c.1208G>A, p.Ser403Asn (NM_001350439.2, NM_001350442.2, NM_001350457.2 and 15 more transcripts); c.1139G>A, p.Ser380Asn (NM_001350459.2, NM_001350462.2, NM_001350424.2 and 1 more transcripts); c.962G>A, p.Ser321Asn (NM_001350461.2, NM_001350463.2, NM_001350468.2); c.965G>A, p.Ser322Asn (NM_001350464.2, NM_001350465.2, NM_001168409.2 and 3 more transcripts); c.1163G>A, p.Ser388Asn (NM_001168410.2, NM_001350470.2, NM_001350473.2 and 1 more transcripts); c.1160G>A, p.Ser387Asn (NM_001350472.2); short protein forms S322N, S380N, S387N, S403N, S321N, S929N, S379N, S388N.
Identifiers: ClinVar variation 2863534 (VCV002863534.3), dbSNP rs2552128709, ClinGen allele CA364681380.